The following is an entry in ClinVar:

ClinVar aggregate classification (germline): Uncertain significance (1 of 4 stars; one submission).

Conditions:
Tuberous sclerosis 2 (TSC2). Identifiers: Orphanet 805, MedGen C1860707, MONDO:0013199, OMIM 613254.

Submission:

Labcorp Genetics (formerly Invitae), Labcorp
Classification: Uncertain significance for Tuberous sclerosis 2. Last evaluated: 2022-12-02. Review status: criteria provided, single submitter. Criteria: Invitae Variant Classification Sherloc (09022015). Collection method: clinical testing. Allele origin: germline.
Comment: Advanced modeling of protein sequence and biophysical properties (such as structural, functional, and spatial information, amino acid conservation, physicochemical variation, residue mobility, and thermodynamic stability) performed at Invitae indicates that this missense variant is not expected to disrupt TSC2 protein function. In summary, the available evidence is currently insufficient to determine the role of this variant in disease. Therefore, it has been classified as a Variant of Uncertain Significance. This variant is not present in population databases (gnomAD no frequency). This variant has not been reported in the literature in individuals affected with TSC2-related conditions. ClinVar contains an entry for this variant (Variation ID: 1720083). This sequence change replaces leucine, which is neutral and non-polar, with arginine, which is basic and polar, at codon 621 of the TSC2 protein (p.Leu621Arg).

NM_000548.5(TSC2):c.1862T>G (p.Leu621Arg)

Gene: TSC2 (TSC complex subunit 2; plus strand). Cytogenetic location: 16p13.3.
Variant type: single nucleotide variant.
Coding change: c.1862T>G on transcript NM_000548.5 (MANE Select); coding-DNA position 1862, T replaced by G.
Protein change: p.Leu621Arg; replaces leucine 621 with arginine.
Molecular consequence: missense variant.
Genome position (GRCh38, 1-based): chr16:2,071,532, T>G. VCF-style: chr16-2071532-T-G. GRCh37 (hg19) VCF-style: chr16-2121533-T-G.
Other names: c.1862T>G, p.Leu621Arg (NM_001077183.3, NM_001114382.3, NM_001363528.2 and 6 more transcripts); c.1751T>G, p.Leu584Arg (NM_001318827.2, NM_001406678.1, NM_001406670.1); c.1715T>G, p.Leu572Arg (NM_001318829.2, NM_001406676.1, NM_001406679.1 and 1 more transcripts); c.1262T>G, p.Leu421Arg (NM_001318831.2, NM_001406680.1, NM_001406682.1 and 6 more transcripts); c.1805T>G, p.Leu602Arg (NM_001406677.1); c.1895T>G, p.Leu632Arg (NM_001318832.2); c.1400T>G, p.Leu467Arg (NM_001406681.1); c.518T>G, p.Leu173Arg (NM_001406694.1, NM_001406695.1, NM_001406696.1 and 6 more transcripts); and 3 more; short protein forms L173R, L421R, L467R, L572R, L584R, L602R, L617R, L621R.
Identifiers: ClinVar variation 1720083 (VCV001720083.5), dbSNP rs397514927, ClinGen allele CA394273073.